The following is an entry in ClinVar:

NM_006922.4(SCN3A):c.5606C>T (p.Ala1869Val)

Gene: SCN3A (sodium voltage-gated channel alpha subunit 3; minus strand). Cytogenetic location: 2q24.3.
Variant type: single nucleotide variant.
Coding change: c.5606C>T on transcript NM_006922.4 (MANE Select); coding-DNA position 5606, C replaced by T.
Protein change: p.Ala1869Val; replaces alanine 1869 with valine.
Molecular consequence: missense variant.
Genome position (GRCh38, 1-based): chr2:165,090,547, G>A on the plus strand (C>T on the coding strand, the complement: SCN3A is on the minus strand). VCF-style: chr2-165090547-G-A. GRCh37 (hg19) VCF-style: chr2-165947057-G-A.
Other names: c.5459C>T, p.Ala1820Val (NM_001081676.2, NM_001081677.2); short protein forms A1820V, A1869V.
Identifiers: ClinVar variation 1693408 (VCV001693408.2), dbSNP rs2105618194, ClinGen allele CA349011017.

ClinVar aggregate classification (germline): Uncertain significance (1 of 4 stars; one submission).

Submission:

GeneDx
Classification: Uncertain significance. Last evaluated: 2021-12-30. Review status: criteria provided, single submitter. Criteria: GeneDx Variant Classification Process June 2021. Collection method: clinical testing. Allele origin: germline. Affected: yes.
Comment: Not observed at significant frequency in large population cohorts (gnomAD); In silico analysis supports that this missense variant does not alter protein structure/function; Has not been previously published as pathogenic or benign to our knowledge